The following is an entry in ClinVar:

NM_013296.5(GPSM2):c.-248-16T>C

Gene: GPSM2 (G protein signaling modulator 2; plus strand). Cytogenetic location: 1p13.3.
Variant type: single nucleotide variant.
Coding change: c.-248-16T>C on transcript NM_013296.5 (MANE Select); 16 bases into the intron before 248 bases upstream of the start codon, T replaced by C.
Molecular consequence: intron variant.
Genome position (GRCh38, 1-based): chr1:108,885,259, T>C. VCF-style: chr1-108885259-T-C. GRCh37 (hg19) VCF-style: chr1-109427881-T-C.
Other names: c.-16-248T>C (NM_001321038.2); c.-248-16T>C (NM_001321039.3).
Identifiers: ClinVar variation 382922 (VCV000382922.1), dbSNP rs932973835, ClinGen allele CA16603388.

ClinVar aggregate classification (germline): Likely benign (1 of 4 stars; one submission).

Allele frequency attached by ClinVar (database versions not stated): TOPMed 0.00009; gnomAD 0.00011.

Submission:

GeneDx
Classification: Likely benign. Last evaluated: 2016-02-04. Review status: criteria provided, single submitter. Criteria: GeneDx Variant Classification (06012015). Collection method: clinical testing. Allele origin: germline. Affected: yes.
Comment: This variant is considered likely benign or benign based on one or more of the following criteria: it is a conservative change, it occurs at a poorly conserved position in the protein, it is predicted to be benign by multiple in silico algorithms, and/or has population frequency not consistent with disease.